The following is an entry in ClinVar:

ClinVar aggregate classification (germline): Uncertain significance (1 of 4 stars; one submission).

Conditions:
POLD1-related polyposis and colorectal cancer syndrome (CRCS10). Also called: Colorectal cancer 10; COLORECTAL CANCER, SUSCEPTIBILITY TO, ON CHROMOSOME 19q; Colorectal cancer, susceptibility to, 10. Identifiers: Orphanet 220460, MedGen C2675481, MONDO:0012953, OMIM 612591.

Submission:

Labcorp Genetics (formerly Invitae), Labcorp
Classification: Uncertain significance for POLD1-related polyposis and colorectal cancer syndrome. Last evaluated: 2024-05-14. Review status: criteria provided, single submitter. Criteria: Invitae Variant Classification Sherloc (09022015). Collection method: clinical testing. Allele origin: germline.
Comment: This sequence change creates a premature translational stop signal (p.Ser32Ilefs*71) in the POLD1 gene. Missense variants that disrupt the 3'-5' exonuclease (proof-reading) activity of the POLD1 protein are associated with PPAP (polymerase proofreading–associated polyposis) (PMID: 23263490, 23447401). However, loss-of-function variants that result in an absent or severely disrupted POLD1 protein, and missense variants outside the exonuclease domain, are unlikely to be associated with PPAP. This variant is present in population databases (no rsID available, gnomAD 0.01%). This variant has not been reported in the literature in individuals affected with POLD1-related conditions. In summary, the available evidence is currently insufficient to determine the role of this variant in disease. Therefore, it has been classified as a Variant of Uncertain Significance.

Literature cited by the submitters: PubMed 23263490; PubMed 23447401.

NM_002691.4(POLD1):c.92dup (p.Ser32fs)

Gene: POLD1 (DNA polymerase delta 1, catalytic subunit; plus strand). Cytogenetic location: 19q13.33.
Variant type: Duplication.
Coding change: c.92dup on transcript NM_002691.4 (MANE Select); coding-DNA position 92, one base duplicated (C; older notation c.92dupC).
Protein change: p.Ser32fs; shifts the reading frame from serine 32.
Molecular consequence: frameshift variant. On other transcripts: non-coding transcript variant (1).
Genome position (GRCh38, 1-based): chr19:50,398,943, C duplicated; the last of 2 consecutive C bases (chr19:50,398,942-50,398,943); duplicating either gives the same sequence. VCF-style (leftmost placement, unchanged base first): chr19-50398941-G-GC. GRCh37 (hg19) VCF-style: chr19-50902198-G-GC.
Other names: c.92dup, p.Ser32fs (NM_001256849.1, NM_001308632.1); short protein forms S32fs.
Identifiers: ClinVar variation 3653298 (VCV003653298.2).